The following is an entry in ClinVar:

ClinVar aggregate classification (germline): Uncertain significance (1 of 4 stars; one submission).

gnomAD v4.1: 5 of 1,608,744 alleles (0.00031%); highest among the groups gnomAD compares: Non-Finnish European, 0.00042%; no homozygotes.

Submission:

Women's Health and Genetics/Laboratory Corporation of America, LabCorp
Classification: Uncertain significance. Last evaluated: 2025-05-20. Review status: criteria provided, single submitter. Criteria: LabCorp Variant Classification Summary - May 2015. Collection method: clinical testing. Allele origin: germline.
Comment: Variant summary: MYH9 c.4352C>G (p.Ala1451Gly) results in a non-conservative amino acid change in the encoded protein sequence. Algorithms developed to predict the effect of missense changes on protein structure and function are either unavailable or do not agree on the potential impact of this missense change. The variant was absent in 239804 control chromosomes. The available data on variant occurrences in the general population are insufficient to allow any conclusion about variant significance. To our knowledge, no occurrence of c.4352C>G in individuals affected with Macrothrombocytopenia And Granulocyte Inclusions With Or Without Nephritis Or Sensorineural Hearing Loss and no experimental evidence demonstrating its impact on protein function have been reported. No submitters have cited clinical-significance assessments for this variant to ClinVar. Based on the evidence outlined above, the variant was classified as uncertain significance.

NM_002473.6(MYH9):c.4352C>G (p.Ala1451Gly)

Gene: MYH9 (myosin heavy chain 9; minus strand). Cytogenetic location: 22q12.3.
Variant type: single nucleotide variant.
Coding change: c.4352C>G on transcript NM_002473.6 (MANE Select); coding-DNA position 4352, C replaced by G.
Protein change: p.Ala1451Gly; replaces alanine 1451 with glycine.
Molecular consequence: missense variant.
Genome position (GRCh38, 1-based): chr22:36,289,290, G>C on the plus strand (C>G on the coding strand, the complement: MYH9 is on the minus strand). VCF-style: chr22-36289290-G-C. GRCh37 (hg19) VCF-style: chr22-36685336-G-C.
Other names: short protein forms A1451G.
Identifiers: ClinVar variation 3902092 (VCV003902092.1).